The following is an entry in ClinVar:

NM_001278431.2(C1QTNF5):c.379C>A (p.Arg127Ser)

Genes: C1QTNF5 (C1q and TNF related 5; minus strand), MFRP (membrane frizzled-related protein; minus strand). Cytogenetic location: 11q23.3.
Variant type: single nucleotide variant.
Coding change: c.379C>A on transcript NM_001278431.2 (MANE Select); coding-DNA position 379, C replaced by A.
Protein change: p.Arg127Ser; replaces arginine 127 with serine.
Molecular consequence: missense variant. On other transcripts: 3 prime UTR variant (1).
Genome position (GRCh38, 1-based): chr11:119,339,684, G>T on the plus strand (C>A on the coding strand, the complement: C1QTNF5 is on the minus strand). VCF-style: chr11-119339684-G-T. GRCh37 (hg19) VCF-style: chr11-119210394-G-T.
Other names: c.379C>A, p.Arg127Ser (NM_015645.5); c.*1275C>A (NM_031433.4); short protein forms R127S.
Identifiers: ClinVar variation 1907079 (VCV001907079.5), dbSNP rs1950477595, ClinGen allele CA382969258.

ClinVar aggregate classification (germline): Uncertain significance (1 of 4 stars; one submission).

Allele frequency attached by ClinVar (database versions not stated): TOPMed below 0.00001.

Submission:

Labcorp Genetics (formerly Invitae), Labcorp
Classification: Uncertain significance. Last evaluated: 2021-12-06. Review status: criteria provided, single submitter. Criteria: Invitae Variant Classification Sherloc (09022015). Collection method: clinical testing. Allele origin: germline.
Comment: In summary, the available evidence is currently insufficient to determine the role of this variant in disease. Therefore, it has been classified as a Variant of Uncertain Significance. Algorithms developed to predict the effect of sequence changes on RNA splicing suggest that this variant may create or strengthen a splice site. Algorithms developed to predict the effect of missense changes on protein structure and function (SIFT, PolyPhen-2, Align-GVGD) all suggest that this variant is likely to be tolerated. This variant has not been reported in the literature in individuals affected with C1QTNF5-related conditions. This variant is not present in population databases (gnomAD no frequency). This sequence change replaces arginine, which is basic and polar, with serine, which is neutral and polar, at codon 127 of the C1QTNF5 protein (p.Arg127Ser).